The following is an entry in ClinVar:

ClinVar aggregate classification (germline): Conflicting classifications of pathogenicity. Review status: criteria provided, conflicting classifications (1 of 4 stars). 2 submissions from 2 submitters: Pathogenic (1); Uncertain significance (1). Last evaluated 2023-02-27.

Conditions:
DRP2-related disorder. Also called: DRP2-related condition.

Submissions (2):

PreventionGenetics, part of Exact Sciences
Classification: Uncertain significance for DRP2-related condition. Last evaluated: 2023-02-27. Review status: criteria provided, single submitter. Criteria: ACMG Guidelines, 2015. Collection method: clinical testing. Allele origin: germline.
Comment: The DRP2 c.1006C>T variant is predicted to result in premature protein termination (p.Gln336*). To our knowledge, this variant has not been reported in the literature. This variant has not been reported in a large population database, indicating this variant is rare. However, truncating variants in DRP2 have been reported in individuals with Charcot-Marie-Tooth disease phenotypes (see, for example, Brennan et al. 2015. PubMed ID: 26227883). Although we suspect that this variant may be pathogenic, at this time, the clinical significance of this variant is uncertain due to the absence of conclusive functional and genetic evidence.

Labcorp Genetics (formerly Invitae), Labcorp
Classification: Pathogenic. Last evaluated: 2022-10-07. Review status: criteria provided, single submitter. Criteria: Invitae Variant Classification Sherloc (09022015). Collection method: clinical testing. Allele origin: germline.
Comment: This sequence change creates a premature translational stop signal (p.Gln336*) in the DRP2 gene. It is expected to result in an absent or disrupted protein product. Loss-of-function variants in DRP2 are known to be pathogenic (PMID: 22764250, 26227883). This variant is not present in population databases (gnomAD no frequency). This variant has not been reported in the literature in individuals affected with DRP2-related conditions. Algorithms developed to predict the effect of sequence changes on RNA splicing suggest that this variant may disrupt the consensus splice site. For these reasons, this variant has been classified as Pathogenic.

Literature cited by the submitters: PubMed 22764250 (cited by Labcorp Genetics (formerly Invitae), Labcorp); PubMed 26227883 (cited by Labcorp Genetics (formerly Invitae), Labcorp).

NM_001939.3(DRP2):c.1006C>T (p.Gln336Ter)

Gene: DRP2 (dystrophin related protein 2; plus strand). Cytogenetic location: Xq22.1.
Variant type: single nucleotide variant.
Coding change: c.1006C>T on transcript NM_001939.3 (MANE Select); coding-DNA position 1006, C replaced by T.
Protein change: p.Gln336Ter; replaces glutamine 336 with a stop codon.
Molecular consequence: nonsense.
Genome position (GRCh38, 1-based): chrX:101,242,934, C>T. VCF-style: chrX-101242934-C-T. GRCh37 (hg19) VCF-style: chrX-100497923-C-T.
Other names: c.772C>T, p.Gln258Ter (NM_001171184.2); c.1006C>T (NM_001939.2); short protein forms Q258*, Q336*.
Identifiers: ClinVar variation 2034396 (VCV002034396.5), dbSNP rs2523072017, ClinGen allele CA413920034.